The following is an entry in ClinVar:

ClinVar aggregate classification (germline): Likely benign. Review status: criteria provided, multiple submitters, no conflicts (2 of 4 stars). 4 submissions from 4 submitters: Likely benign (4). Last evaluated 2024-06-25.

Conditions:
Familial sleep-related hypermotor epilepsy. Also called: Autosomal Dominant Sleep-Related Hypermotor (Hyperkinetic) Epilepsy. Identifiers: Orphanet 98784, MedGen C3696898, MONDO:0000030.
Inborn genetic diseases. Identifiers: MedGen C0950123, MeSH D030342.

Allele frequency attached by ClinVar (database versions not stated): gnomAD 0.00001; TOPMed 0.00002; ExAC 0.00005; 1000 Genomes Project 0.00040; 1000 Genomes Project 30x 0.00047.

Submissions (4):

Labcorp Genetics (formerly Invitae), Labcorp
Classification: Likely benign. Last evaluated: 2024-06-25. Review status: criteria provided, single submitter. Criteria: Invitae Variant Classification Sherloc (09022015). Collection method: clinical testing. Allele origin: germline.

Blueprint Genetics
Classification: Likely benign. Last evaluated: 2023-09-05. Review status: criteria provided, single submitter. Criteria: ACMG Guidelines, 2015. Collection method: clinical testing. Allele origin: germline.

Ambry Genetics
Classification: Likely benign for Inborn genetic diseases. Last evaluated: 2020-07-05. Review status: criteria provided, single submitter. Criteria: Ambry Variant Classification Scheme 2023. Collection method: clinical testing. Allele origin: germline.

GeneDx
Classification: Likely benign. Last evaluated: 2016-08-15. Review status: criteria provided, single submitter. Criteria: GeneDx Variant Classification (06012015). Collection method: clinical testing. Allele origin: germline. Affected: yes.
Comment: This variant is considered likely benign or benign based on one or more of the following criteria: it is a conservative change, it occurs at a poorly conserved position in the protein, it is predicted to be benign by multiple in silico algorithms, and/or has population frequency not consistent with disease.

NM_000744.7(CHRNA4):c.570C>T (p.Asp190=)

Gene: CHRNA4 (cholinergic receptor nicotinic alpha 4 subunit; minus strand). Cytogenetic location: 20q13.33.
Variant type: single nucleotide variant.
Coding change: c.570C>T on transcript NM_000744.7 (MANE Select); coding-DNA position 570, C replaced by T.
Protein change: p.Asp190=; no amino-acid change (aspartic acid 190 retained).
Molecular consequence: synonymous variant. On other transcripts: non-coding transcript variant (1).
Genome position (GRCh38, 1-based): chr20:63,350,841, G>A on the plus strand (C>T on the coding strand, the complement: CHRNA4 is on the minus strand). VCF-style: chr20-63350841-G-A. GRCh37 (hg19) VCF-style: chr20-61982193-G-A.
Other names: c.42C>T, p.Asp14= (NM_001256573.2).
Identifiers: ClinVar variation 378999 (VCV000378999.13), dbSNP rs554282916, ClinGen allele CA9957774.